The following is an entry in ClinVar:

NM_001256789.3(CACNA1F):c.5542G>A (p.Ala1848Thr)

Gene: CACNA1F (calcium voltage-gated channel subunit alpha1 F; minus strand). Cytogenetic location: Xp11.23.
Variant type: single nucleotide variant.
Coding change: c.5542G>A on transcript NM_001256789.3 (MANE Select); coding-DNA position 5542, G replaced by A.
Protein change: p.Ala1848Thr; replaces alanine 1848 with threonine.
Molecular consequence: missense variant.
Genome position (GRCh38, 1-based): chrX:49,205,744, C>T on the plus strand (G>A on the coding strand, the complement: CACNA1F is on the minus strand). VCF-style: chrX-49205744-C-T. GRCh37 (hg19) VCF-style: chrX-49062204-C-T.
Other names: c.5380G>A, p.Ala1794Thr (NM_001256790.3); c.5575G>A, p.Ala1859Thr (NM_005183.4); short protein forms A1859T, A1848T, A1794T.
Identifiers: ClinVar variation 1433885 (VCV001433885.6), dbSNP rs1557104729, ClinGen allele CA412957260.

ClinVar aggregate classification (germline): Uncertain significance (1 of 4 stars; one submission).

Allele frequency attached by ClinVar (database versions not stated): gnomAD exomes 0.00001 and 0.00002; TOPMed 0.00001.

Submission:

Labcorp Genetics (formerly Invitae), Labcorp
Classification: Uncertain significance. Last evaluated: 2022-04-20. Review status: criteria provided, single submitter. Criteria: Invitae Variant Classification Sherloc (09022015). Collection method: clinical testing. Allele origin: germline.
Comment: This sequence change replaces alanine, which is neutral and non-polar, with threonine, which is neutral and polar, at codon 1859 of the CACNA1F protein (p.Ala1859Thr). This variant is present in population databases (no rsID available, gnomAD 0.008%). This variant has not been reported in the literature in individuals affected with CACNA1F-related conditions. Algorithms developed to predict the effect of missense changes on protein structure and function output the following: SIFT: "Tolerated"; PolyPhen-2: "Benign"; Align-GVGD: "Class C0". The threonine amino acid residue is found in multiple mammalian species, which suggests that this missense change does not adversely affect protein function. In summary, the available evidence is currently insufficient to determine the role of this variant in disease. Therefore, it has been classified as a Variant of Uncertain Significance.